The following is an entry in ClinVar:

NM_002074.5(GNB1):c.293C>T (p.Ser98Phe)

Gene: GNB1 (G protein subunit beta 1; minus strand). Cytogenetic location: 1p36.33.
Variant type: single nucleotide variant.
Coding change: c.293C>T on transcript NM_002074.5 (MANE Select); coding-DNA position 293, C replaced by T.
Protein change: p.Ser98Phe; replaces serine 98 with phenylalanine.
Molecular consequence: missense variant. On other transcripts: 5 prime UTR variant (1).
Genome position (GRCh38, 1-based): chr1:1,804,556, G>A on the plus strand (C>T on the coding strand, the complement: GNB1 is on the minus strand). VCF-style: chr1-1804556-G-A. GRCh37 (hg19) VCF-style: chr1-1735995-G-A.
Other names: c.-8C>T (NM_001282538.2); c.293C>T, p.Ser98Phe (NM_001282539.2); short protein forms S98F.
Identifiers: ClinVar variation 1800950 (VCV001800950.1), dbSNP rs2522750521, ClinGen allele CA337915338.
Genomic context (GRCh38, chr1:1,804,556, plus strand): 5'-TCCAGGCCACCGCAGGCCACATAGTTCCCAGAAGGGGCATATGCACAGGTCATGACCCAG[G>A]AGGAGCGCAGAGGGATGGCGTGGACCTAATGACAGAAAGACAGATGATGCAAACAACTTT-3'
Protein context (NP_002065.1, residues 88-108): NKVHAIPLRS[Ser98Phe]WVMTCAYAPS

ClinVar aggregate classification (germline): Uncertain significance (1 of 4 stars; one submission).

Submission:

GeneDx
Classification: Uncertain significance. Last evaluated: 2022-05-27. Review status: criteria provided, single submitter. Criteria: GeneDx Variant Classification Process June 2021. Collection method: clinical testing. Allele origin: germline. Affected: yes.
Comment: Not observed at significant frequency in large population cohorts (gnomAD); In silico analysis supports that this missense variant has a deleterious effect on protein structure/function; Has not been previously published as pathogenic or benign to our knowledge